The following is an entry in ClinVar:

ClinVar aggregate classification (germline): Uncertain significance. Review status: criteria provided, multiple submitters, no conflicts (2 of 4 stars). 3 submissions from 3 submitters: Uncertain significance (3). Last evaluated 2025-10-06.

Conditions:
Inborn genetic diseases. Identifiers: MedGen C0950123, MeSH D030342.

Allele frequency attached by ClinVar (database versions not stated): gnomAD exomes 0.00009 and 0.00018; TOPMed 0.00010; gnomAD 0.00014 and 0.00015; ExAC 0.00029; 1000 Genomes Project 0.00060; 1000 Genomes Project 30x 0.00062.
gnomAD v4.1: 158 of 1,524,802 alleles (0.01%); highest among the groups gnomAD compares: Admixed American, 0.047%; 1 homozygote.

Submissions (3):

Ambry Genetics
Classification: Uncertain significance for Inborn genetic diseases. Last evaluated: 2025-10-06. Review status: criteria provided, single submitter. Criteria: Ambry Variant Classification Scheme 2023. Collection method: clinical testing. Allele origin: germline.

CeGaT Center for Human Genetics Tuebingen
Classification: Uncertain significance. Last evaluated: 2024-01-01. Review status: criteria provided, single submitter. Criteria: CeGaT Center For Human Genetics Tuebingen Variant Classification Criteria Version 2. Collection method: clinical testing. Allele origin: germline. Affected: yes. Observed: 1 variant allele.

Labcorp Genetics (formerly Invitae), Labcorp
Classification: Uncertain significance. Last evaluated: 2022-07-19. Review status: criteria provided, single submitter. Criteria: Invitae Variant Classification Sherloc (09022015). Collection method: clinical testing. Allele origin: germline.
Comment: This sequence change replaces proline, which is neutral and non-polar, with serine, which is neutral and polar, at codon 296 of the COL13A1 protein (p.Pro296Ser). This variant is present in population databases (rs184176702, gnomAD 0.2%). This variant has not been reported in the literature in individuals affected with COL13A1-related conditions. ClinVar contains an entry for this variant (Variation ID: 1356083). Algorithms developed to predict the effect of missense changes on protein structure and function are either unavailable or do not agree on the potential impact of this missense change (SIFT: "Deleterious"; PolyPhen-2: "Benign"; Align-GVGD: "Class C65"). In summary, the available evidence is currently insufficient to determine the role of this variant in disease. Therefore, it has been classified as a Variant of Uncertain Significance.

NM_001368882.1(COL13A1):c.856C>T (p.Pro286Ser)

Gene: COL13A1 (collagen type XIII alpha 1 chain; plus strand). Cytogenetic location: 10q22.1.
Variant type: single nucleotide variant.
Coding change: c.856C>T on transcript NM_001368882.1 (MANE Select); coding-DNA position 856, C replaced by T.
Protein change: p.Pro286Ser; replaces proline 286 with serine.
Molecular consequence: missense variant.
Genome position (GRCh38, 1-based): chr10:69,902,853, C>T. VCF-style: chr10-69902853-C-T. GRCh37 (hg19) VCF-style: chr10-71662609-C-T.
Other names: c.886C>T, p.Pro296Ser (NM_001130103.2); c.856C>T, p.Pro286Ser (NM_001320951.2, NM_001368884.1); c.820C>T, p.Pro274Ser (NM_001368883.1, NM_001368885.1, NM_080801.4 and 1 more transcripts); c.256C>T, p.Pro86Ser (NM_001368886.1); c.766C>T, p.Pro256Ser (NM_001368895.1); c.715C>T, p.Pro239Ser (NM_001368896.1, NM_001368898.1, NM_080798.4); c.742C>T, p.Pro248Ser (NM_001368897.1); c.829C>T, p.Pro277Ser (NM_080800.4); and 2 more; short protein forms P245S, P248S, P256S, P274S, P286S, P277S, P296S, P239S.
Identifiers: ClinVar variation 1356083 (VCV001356083.27), dbSNP rs184176702, ClinGen allele CA5534444.